The following is an entry in ClinVar:

ClinVar aggregate classification (germline): Uncertain significance (1 of 4 stars; one submission).

Submission:

Labcorp Genetics (formerly Invitae), Labcorp
Classification: Uncertain significance. Last evaluated: 2022-08-09. Review status: criteria provided, single submitter. Criteria: Invitae Variant Classification Sherloc (09022015). Collection method: clinical testing. Allele origin: germline.
Comment: This sequence change replaces threonine, which is neutral and polar, with proline, which is neutral and non-polar, at codon 77 of the EIF2B2 protein (p.Thr77Pro). This variant is not present in population databases (gnomAD no frequency). This variant has not been reported in the literature in individuals affected with EIF2B2-related conditions. Algorithms developed to predict the effect of missense changes on protein structure and function are either unavailable or do not agree on the potential impact of this missense change (SIFT: "Tolerated"; PolyPhen-2: "Possibly Damaging"; Align-GVGD: "Class C0"). In summary, the available evidence is currently insufficient to determine the role of this variant in disease. Therefore, it has been classified as a Variant of Uncertain Significance.

NM_014239.4(EIF2B2):c.229A>C (p.Thr77Pro)

Gene: EIF2B2 (eukaryotic translation initiation factor 2B subunit beta; plus strand). Cytogenetic location: 14q24.3.
Variant type: single nucleotide variant.
Coding change: c.229A>C on transcript NM_014239.4 (MANE Select); coding-DNA position 229, A replaced by C.
Protein change: p.Thr77Pro; replaces threonine 77 with proline.
Molecular consequence: missense variant.
Genome position (GRCh38, 1-based): chr14:75,003,340, A>C. VCF-style: chr14-75003340-A-C. GRCh37 (hg19) VCF-style: chr14-75470043-A-C.
Other names: short protein forms T77P.
Identifiers: ClinVar variation 2085316 (VCV002085316.1), dbSNP rs1889569694, ClinGen allele CA390424026.